The following is an entry in ClinVar:

NM_000400.4(ERCC2):c.56C>T (p.Pro19Leu)

Gene: ERCC2 (ERCC excision repair 2, TFIIH core complex helicase subunit; minus strand). Cytogenetic location: 19q13.32.
Variant type: single nucleotide variant.
Coding change: c.56C>T on transcript NM_000400.4 (MANE Select); coding-DNA position 56, C replaced by T.
Protein change: p.Pro19Leu; replaces proline 19 with leucine.
Molecular consequence: missense variant. On other transcripts: 5 prime UTR variant (1).
Genome position (GRCh38, 1-based): chr19:45,370,182, G>A on the plus strand (C>T on the coding strand, the complement: ERCC2 is on the minus strand). VCF-style: chr19-45370182-G-A. GRCh37 (hg19) VCF-style: chr19-45873440-G-A.
Other names: c.-17C>T (NM_001130867.2); short protein forms P19L.
Identifiers: ClinVar variation 1749153 (VCV001749153.2), dbSNP rs2514048540, ClinGen allele CA406380022.

ClinVar aggregate classification (germline): Uncertain significance (1 of 4 stars; one submission).

Conditions:
Inborn genetic diseases. Identifiers: MedGen C0950123, MeSH D030342.

Submission:

Ambry Genetics
Classification: Uncertain significance for Inborn genetic diseases. Last evaluated: 2021-08-20. Review status: criteria provided, single submitter. Criteria: Ambry Variant Classification Scheme 2023. Collection method: clinical testing. Allele origin: germline.
Comment: The p.P19L variant (also known as c.56C>T), located in coding exon 2 of the ERCC2 gene, results from a C to T substitution at nucleotide position 56. The proline at codon 19 is replaced by leucine, an amino acid with similar properties. This amino acid position is conserved. In addition, this alteration is predicted to be deleterious by in silico analysis. Since supporting evidence is limited at this time, the clinical significance of this alteration remains unclear.